The following is an entry in ClinVar:

ClinVar aggregate classification (germline): Uncertain significance. Review status: criteria provided, multiple submitters, no conflicts (2 of 4 stars). 2 submissions from 2 submitters: Uncertain significance (2). Last evaluated 2025-12-16.

Conditions:
Congenital contractural arachnodactyly (CCA). Also called: BEALS SYNDROME; Arthrogryposis, distal, type 9; Beals-Hecht syndrome. Identifiers: Orphanet 115, MedGen C0220668, MONDO:0007363, OMIM 121050.
Familial thoracic aortic aneurysm and aortic dissection (TAAD). Also called: Thoracic aortic aneurysms and dissections. Identifiers: Orphanet 91387, MedGen C4707243, MONDO:0019625.

Allele frequency attached by ClinVar (database versions not stated): gnomAD exomes below 0.00001; TOPMed 0.00001.
gnomAD v4.1: 5 of 1,613,932 alleles (0.00031%); highest among the groups gnomAD compares: Admixed American, 0.0017%; no homozygotes.

Submissions (2):

Ambry Genetics
Classification: Uncertain significance for Familial thoracic aortic aneurysm and aortic dissection. Last evaluated: 2025-12-16. Review status: criteria provided, single submitter. Criteria: Ambry Variant Classification Scheme 2023. Collection method: clinical testing. Allele origin: germline.
Comment: The p.R1863Q variant (also known as c.5588G>A), located in coding exon 44 of the FBN2 gene, results from a G to A substitution at nucleotide position 5588. The arginine at codon 1863 is replaced by glutamine, an amino acid with highly similar properties. This amino acid position is well conserved in available vertebrate species. In addition, this alteration is predicted to be deleterious by in silico analysis. Based on the available evidence, the clinical significance of this variant remains unclear.

Labcorp Genetics (formerly Invitae), Labcorp
Classification: Uncertain significance for Congenital contractural arachnodactyly. Last evaluated: 2020-05-05. Review status: criteria provided, single submitter. Criteria: Invitae Variant Classification Sherloc (09022015). Collection method: clinical testing. Allele origin: germline.
Comment: This sequence change replaces arginine with glutamine at codon 1863 of the FBN2 protein (p.Arg1863Gln). The arginine residue is highly conserved and there is a small physicochemical difference between arginine and glutamine. This variant is not present in population databases (ExAC no frequency). In summary, the available evidence is currently insufficient to determine the role of this variant in disease. Therefore, it has been classified as a Variant of Uncertain Significance. Algorithms developed to predict the effect of sequence changes on RNA splicing suggest that this variant may create or strengthen a splice site, but this prediction has not been confirmed by published transcriptional studies. Algorithms developed to predict the effect of missense changes on protein structure and function are either unavailable or do not agree on the potential impact of this missense change (SIFT: "Deleterious"; PolyPhen-2: "Benign"; Align-GVGD: "Class C0"). This variant has not been reported in the literature in individuals with FBN2-related conditions.

NM_001999.4(FBN2):c.5588G>A (p.Arg1863Gln)

Gene: FBN2 (fibrillin 2; minus strand). Cytogenetic location: 5q23.3.
Variant type: single nucleotide variant.
Coding change: c.5588G>A on transcript NM_001999.4 (MANE Select); coding-DNA position 5588, G replaced by A.
Protein change: p.Arg1863Gln; replaces arginine 1863 with glutamine.
Molecular consequence: missense variant.
Genome position (GRCh38, 1-based): chr5:128,305,597, C>T on the plus strand (G>A on the coding strand, the complement: FBN2 is on the minus strand). VCF-style: chr5-128305597-C-T. GRCh37 (hg19) VCF-style: chr5-127641289-C-T.
Other names: c.5588G>A (NM_001999.3); short protein forms R1863Q.
Identifiers: ClinVar variation 1020096 (VCV001020096.10), dbSNP rs1447600676, ClinGen allele CA360740530.
Genomic context (GRCh38, chr5:128,305,597, plus strand): 5'-TTGAAACCCGCGGCACATTCACAGCGGTAACTACCAGGACTATTGATGCAGTCTGCATTC[C>T]GCTGGCAGAGATTATCACCATTGCTGCACTCATCTATATCTGAAAGAGCAACAATTCCAT-3'
Protein context (NP_001990.2, residues 1853-1873): ECSNGDNLCQ[Arg1863Gln]NADCINSPGS